The following is an entry in ClinVar:

NM_014264.5(PLK4):c.2138T>C (p.Ile713Thr)

Gene: PLK4 (polo like kinase 4; plus strand). Cytogenetic location: 4q28.1.
Variant type: single nucleotide variant.
Coding change: c.2138T>C on transcript NM_014264.5 (MANE Select); coding-DNA position 2138, T replaced by C.
Protein change: p.Ile713Thr; replaces isoleucine 713 with threonine.
Molecular consequence: missense variant.
Genome position (GRCh38, 1-based): chr4:127,892,464, T>C. VCF-style: chr4-127892464-T-C. GRCh37 (hg19) VCF-style: chr4-128813619-T-C.
Other names: c.2042T>C, p.Ile681Thr (NM_001190799.2); c.2015T>C, p.Ile672Thr (NM_001190801.2); c.2138T>C (NM_014264.4); short protein forms I672T, I681T, I713T.
Identifiers: ClinVar variation 1423821 (VCV001423821.5), dbSNP rs562577555, ClinGen allele CA3076954.
Genomic context (GRCh38, chr4:127,892,464, plus strand): 5'-TACAGCTTGTAAGATCTAAATCTCCCAAAATCACTTATTTTACAAGATATGCTAAATGCA[T>C]TTTGATGGAGAATTCTCCTGGTGCTGATTTTGAGGTTTGGTTTTATGATGGTAAGTACCA-3'
Protein context (NP_055079.3, residues 703-723): ITYFTRYAKC[Ile713Thr]LMENSPGADF

ClinVar aggregate classification (germline): Uncertain significance. Review status: criteria provided, multiple submitters, no conflicts (2 of 4 stars). 3 submissions from 3 submitters: Uncertain significance (3). Last evaluated 2023-12-07.

Conditions:
Inborn genetic diseases. Identifiers: MedGen C0950123, MeSH D030342.

Allele frequency attached by ClinVar (database versions not stated): TOPMed 0.00001; ExAC 0.00003; gnomAD 0.00003; gnomAD exomes 0.00003; 1000 Genomes Project 30x 0.00016; 1000 Genomes Project 0.00020.
gnomAD v4.1: 12 of 1,600,580 alleles (0.00075%); highest among the groups gnomAD compares: Admixed American, 0.016%; no homozygotes.

Submissions (3):

GeneDx
Classification: Uncertain significance. Last evaluated: 2023-12-07. Review status: criteria provided, single submitter. Criteria: GeneDx Variant Classification Process June 2021. Collection method: clinical testing. Allele origin: germline. Affected: yes.
Comment: In silico analysis supports that this missense variant does not alter protein structure/function; Has not been previously published as pathogenic or benign to our knowledge

Labcorp Genetics (formerly Invitae), Labcorp
Classification: Uncertain significance. Last evaluated: 2022-08-23. Review status: criteria provided, single submitter. Criteria: Invitae Variant Classification Sherloc (09022015). Collection method: clinical testing. Allele origin: germline.
Comment: This sequence change replaces isoleucine, which is neutral and non-polar, with threonine, which is neutral and polar, at codon 713 of the PLK4 protein (p.Ile713Thr). This variant is present in population databases (rs562577555, gnomAD 0.02%). This variant has not been reported in the literature in individuals affected with PLK4-related conditions. ClinVar contains an entry for this variant (Variation ID: 1423821). Algorithms developed to predict the effect of missense changes on protein structure and function (SIFT, PolyPhen-2, Align-GVGD) all suggest that this variant is likely to be tolerated. In summary, the available evidence is currently insufficient to determine the role of this variant in disease. Therefore, it has been classified as a Variant of Uncertain Significance.

Ambry Genetics
Classification: Uncertain significance for Inborn genetic diseases. Last evaluated: 2022-01-31. Review status: criteria provided, single submitter. Criteria: Ambry Variant Classification Scheme 2023. Collection method: clinical testing. Allele origin: germline.
Comment: The c.2138T>C (p.I713T) alteration is located in exon 10 (coding exon 10) of the PLK4 gene. This alteration results from a T to C substitution at nucleotide position 2138, causing the isoleucine (I) at amino acid position 713 to be replaced by a threonine (T). This alteration is predicted to be tolerated by in silico analysis. Based on insufficient or conflicting evidence, the clinical significance of this alteration remains unclear.